The following is an entry in ClinVar:

ClinVar aggregate classification (germline): Conflicting classifications of pathogenicity. Review status: criteria provided, conflicting classifications (1 of 4 stars). 3 submissions from 3 submitters: Likely pathogenic (1); Uncertain significance (2). Last evaluated 2025-08-01.

Conditions:
Progressive sclerosing poliodystrophy (MTDPS4A). Also called: ALPERS DIFFUSE DEGENERATION OF CEREBRAL GRAY MATTER WITH HEPATIC CIRRHOSIS; Mitochondrial DNA Depletion Syndrome 4A; Alpers Syndrome; Alpers-Huttenlocher Syndrome; NEURONAL DEGENERATION OF CHILDHOOD WITH LIVER DISEASE, PROGRESSIVE; Mitochondrial DNA depletion syndrome 4A (Alpers type). Identifiers: Orphanet 726, MedGen C0205710, MONDO:0008758, OMIM 203700.
Progressive external ophthalmoplegia with mitochondrial DNA deletions, autosomal dominant 1 (PEOA1). Also called: Autosomal Dominant Progressive External Ophthalmoplegia (adPEO); PROGRESSIVE EXTERNAL OPHTHALMOPLEGIA, AUTOSOMAL DOMINANT 1. Identifiers: MedGen C1834846, MONDO:0024528, OMIM 157640.

Submissions (3):

CeGaT Center for Human Genetics Tuebingen
Classification: Uncertain significance. Last evaluated: 2025-08-01. Review status: criteria provided, single submitter. Criteria: CeGaT Center For Human Genetics Tuebingen Variant Classification Criteria Version 2. Collection method: clinical testing. Allele origin: germline. Affected: yes. Observed: 1 variant allele.
Comment: POLG: PM1, PM2, PP3

Labcorp Genetics (formerly Invitae), Labcorp
Classification: Uncertain significance for Progressive sclerosing poliodystrophy. Last evaluated: 2025-05-01. Review status: criteria provided, single submitter. Criteria: Invitae Variant Classification Sherloc (09022015). Collection method: clinical testing. Allele origin: germline.
Comment: This sequence change replaces serine, which is neutral and polar, with phenylalanine, which is neutral and non-polar, at codon 893 of the POLG protein (p.Ser893Phe). This variant is not present in population databases (gnomAD no frequency). This missense change has been observed in individual(s) with autosomal dominant progressive external ophthalmoplegia (PMID: 33486010). ClinVar contains an entry for this variant (Variation ID: 694423). Invitae Evidence Modeling of protein sequence and biophysical properties (such as structural, functional, and spatial information, amino acid conservation, physicochemical variation, residue mobility, and thermodynamic stability) indicates that this missense variant is expected to disrupt POLG protein function with a positive predictive value of 95%. In summary, the available evidence is currently insufficient to determine the role of this variant in disease. Therefore, it has been classified as a Variant of Uncertain Significance.

Laboratory of Inherited Metabolic Diseases, Research centre for medical genetics
Classification: Likely pathogenic for Progressive external ophthalmoplegia with mitochondrial DNA deletions, autosomal dominant 1. Last evaluated: 2019-07-17. Review status: criteria provided, single submitter. Criteria: ACMG Guidelines, 2015. Collection method: clinical testing. Allele origin: germline. Inheritance: Autosomal dominant inheritance. Affected: yes.

Literature cited by the submitters: PubMed 33486010 (cited by Labcorp Genetics (formerly Invitae), Labcorp).

NM_002693.3(POLG):c.2678C>T (p.Ser893Phe)

Gene: POLG (DNA polymerase gamma, catalytic subunit; minus strand). Cytogenetic location: 15q26.1.
Variant type: single nucleotide variant.
Coding change: c.2678C>T on transcript NM_002693.3 (MANE Select); coding-DNA position 2678, C replaced by T.
Protein change: p.Ser893Phe; replaces serine 893 with phenylalanine.
Molecular consequence: missense variant.
Genome position (GRCh38, 1-based): chr15:89,321,181, G>A on the plus strand (C>T on the coding strand, the complement: POLG is on the minus strand). VCF-style: chr15-89321181-G-A. GRCh37 (hg19) VCF-style: chr15-89864412-G-A.
Other names: c.2678C>T, p.Ser893Phe (NM_001126131.2); short protein forms S893F.
Identifiers: ClinVar variation 694423 (VCV000694423.10), dbSNP rs1596352300, ClinGen allele CA393753686.